The following is an entry in ClinVar:

ClinVar aggregate classification (germline): Pathogenic (1 of 4 stars; one submission).

Conditions:
Myofibrillar myopathy 4. Also called: Zaspopathy (type). Identifiers: Orphanet 98912, MedGen C4721886, MONDO:0012277, OMIM 609452.

Submission:

Labcorp Genetics (formerly Invitae), Labcorp
Classification: Pathogenic for Myofibrillar myopathy 4. Last evaluated: 2024-08-07. Review status: criteria provided, single submitter. Criteria: Invitae Variant Classification Sherloc (09022015). Collection method: clinical testing. Allele origin: germline.
Comment: The LDB3 gene has multiple clinically relevant transcripts. This variant occurs in alternate transcript NM_007078.3, which corresponds to the same sequence change NM_001080116.1:c.17_19delinsAGGG in the primary transcript. This sequence change creates a premature translational stop signal (p.Thr6Lysfs*42) in the LDB3 gene. It is expected to result in an absent or disrupted protein product in both transcripts. However, loss-of-function variants in LDB3 are only known to be pathogenic in the alternate transcript (PMID: 36253531). Information on the frequency of this variant in the gnomAD database is not available, as this variant may be reported differently in the database. This variant has not been reported in the literature in individuals affected with LDB3-related conditions. For these reasons, this variant has been classified as Pathogenic.

Literature cited by the submitters: PubMed 36253531.

NM_007078.3(LDB3):c.16dup (p.Thr6fs)

Gene: LDB3 (LIM domain binding 3; plus strand). Cytogenetic location: 10q23.2.
Variant type: Duplication.
Coding change: c.16dup on transcript NM_007078.3 (MANE Select); coding-DNA position 16, one base duplicated (A; older notation c.16dupA).
Protein change: p.Thr6fs; shifts the reading frame from threonine 6.
Molecular consequence: frameshift variant.
Genome position (GRCh38, 1-based): chr10:86,668,707, A duplicated. VCF-style (leftmost placement, unchanged base first): chr10-86668706-G-GA. GRCh37 (hg19) VCF-style: chr10-88428463-G-GA.
Other names: c.16dup, p.Thr6fs (NM_001080114.2, NM_001080115.2, NM_001080116.1 and 8 more transcripts); short protein forms T6fs.
Identifiers: ClinVar variation 3661674 (VCV003661674.2).